The following is an entry in ClinVar:

NC_000014.8:g.(?_74111743)_(74551097_?)del

Genes: ALDH6A1 (aldehyde dehydrogenase 6 family member A1; minus strand), ZNF410 (zinc finger protein 410; plus strand), PNMA1 (PNMA family member 1; minus strand), PTGR2 (prostaglandin reductase 2; plus strand), MIDEAS (mitotic deacetylase associated SANT domain protein; minus strand) and 5 more. Cytogenetic location: 14q24.3.
Variant type: Deletion.
Identifiers: ClinVar variation 3244015 (VCV003244015.1).

ClinVar aggregate classification (germline): Pathogenic (1 of 4 stars; one submission).

Conditions:
Primary ciliary dyskinesia 16. Also called: CILIARY DYSKINESIA, PRIMARY, 16, WITH OR WITHOUT SITUS INVERSUS. Identifiers: Orphanet 244, MedGen C3151460, MONDO:0013525, OMIM 614017.

Submission:

Labcorp Genetics (formerly Invitae), Labcorp
Classification: Pathogenic for Primary ciliary dyskinesia 16. Last evaluated: 2023-06-28. Review status: criteria provided, single submitter. Criteria: Invitae Variant Classification Sherloc (09022015). Collection method: clinical testing. Allele origin: unknown.
Comment: For these reasons, this variant has been classified as Pathogenic. This variant has not been reported in the literature in individuals affected with DNAL1-related conditions. A gross deletion of the genomic region encompassing the full coding sequence of the DNAL1 gene has been identified. Loss-of-function variants in DNAL1 are known to be pathogenic (PMID: 21496787). The boundaries of this event are unknown as they extend beyond the assayed region for this gene and therefore may encompass additional genes.

Literature cited by the submitters: PubMed 21496787.